The following is an entry in ClinVar:

ClinVar aggregate classification (germline): Uncertain significance (1 of 4 stars; one submission).

Conditions:
Episodic pain syndrome, familial, 2 (FEPS2). Identifiers: Orphanet 306577, MedGen C3809893, MONDO:0014246, OMIM 615551.

gnomAD v4.1: 4 of 1,612,670 alleles (0.00025%); highest among the groups gnomAD compares: Non-Finnish European, 0.00034%; 1 homozygote.

Submission:

Centre for Mendelian Genomics, University Medical Centre Ljubljana
Classification: Uncertain significance for Episodic pain syndrome, familial, 2. Last evaluated: 2016-01-01. Review status: criteria provided, single submitter. Criteria: ACMG Guidelines, 2015. Collection method: clinical testing. Allele origin: unknown. Affected: yes.
Comment: This variant was classified as: Uncertain significance. The following ACMG criteria were applied in classifying this variant: PM2,BP4.

NM_006514.4(SCN10A):c.3353-6C>T

Genes: SCN10A (sodium voltage-gated channel alpha subunit 10; minus strand), LOC110121288 (VISTA enhancer hs2268; plus strand). Cytogenetic location: 3p22.2.
Variant type: single nucleotide variant.
Coding change: c.3353-6C>T on transcript NM_006514.4 (MANE Select); 6 bases into the intron before coding-DNA position 3353, C replaced by T.
Molecular consequence: intron variant.
Genome position (GRCh38, 1-based): chr3:38,722,418, G>A on the plus strand (C>T on the coding strand, the complement: SCN10A is on the minus strand). VCF-style: chr3-38722418-G-A. GRCh37 (hg19) VCF-style: chr3-38763909-G-A.
Other names: c.3059-6C>T (NM_001293307.2); c.3350-6C>T (NM_001293306.2).
Identifiers: ClinVar variation 931486 (VCV000931486.3), dbSNP rs2063400844, ClinGen allele CA1139657962.